The following is an entry in ClinVar:

ClinVar aggregate classification (germline): Uncertain significance (1 of 4 stars; one submission).

Conditions:
Ataxia-telangiectasia syndrome (AT). Also called: Cerebello-oculocutaneous telangiectasia; Immunodeficiency with ataxia telangiectasia; Ataxia-telangiectasia, complementation group E; Ataxia telangiectasia (A-T); LOUIS-BAR SYNDROME; ATAXIA-TELANGIECTASIA, COMPLEMENTATION GROUP A. Identifiers: Orphanet 100, MedGen C0004135, MONDO:0008840, OMIM 208900.

Allele frequency attached by ClinVar (database versions not stated): ExAC 0.00001; gnomAD 0.00001; 1000 Genomes Project 30x 0.00016; 1000 Genomes Project 0.00020.
gnomAD v4.1: 2 of 1,613,856 alleles (0.00012%); highest among the groups gnomAD compares: African/African-American, 0.0013%; no homozygotes.

Submission:

Labcorp Genetics (formerly Invitae), Labcorp
Classification: Uncertain significance for Ataxia-telangiectasia syndrome. Last evaluated: 2025-07-30. Review status: criteria provided, single submitter. Criteria: Invitae Variant Classification Sherloc (09022015). Collection method: clinical testing. Allele origin: germline.
Comment: This sequence change replaces leucine, which is neutral and non-polar, with valine, which is neutral and non-polar, at codon 973 of the ATM protein (p.Leu973Val). This variant is present in population databases (rs535646511, gnomAD 0.007%). This variant has not been reported in the literature in individuals affected with ATM-related conditions. ClinVar contains an entry for this variant (Variation ID: 2785258). Invitae Evidence Modeling of protein sequence and biophysical properties (such as structural, functional, and spatial information, amino acid conservation, physicochemical variation, residue mobility, and thermodynamic stability) indicates that this missense variant is not expected to disrupt ATM protein function with a negative predictive value of 95%. In summary, the available evidence is currently insufficient to determine the role of this variant in disease. Therefore, it has been classified as a Variant of Uncertain Significance.

NM_000051.4(ATM):c.2917C>G (p.Leu973Val)

Gene: ATM (ATM serine/threonine kinase; plus strand). Cytogenetic location: 11q22.3.
Variant type: single nucleotide variant.
Coding change: c.2917C>G on transcript NM_000051.4 (MANE Select); coding-DNA position 2917, C replaced by G.
Protein change: p.Leu973Val; replaces leucine 973 with valine.
Molecular consequence: missense variant.
Genome position (GRCh38, 1-based): chr11:108,271,142, C>G. VCF-style: chr11-108271142-C-G. GRCh37 (hg19) VCF-style: chr11-108141869-C-G.
Other names: c.2917C>G, p.Leu973Val (NM_001351834.2); short protein forms L973V.
Identifiers: ClinVar variation 2785258 (VCV002785258.3), dbSNP rs535646511, ClinGen allele CA6265137.